The following is an entry in ClinVar:

ClinVar aggregate classification (germline): Uncertain significance (1 of 4 stars; one submission).

Conditions:
PCSK1-related disorder. Also called: PCSK1-related condition.

Submission:

PreventionGenetics, part of Exact Sciences
Classification: Uncertain significance for PCSK1-related condition. Last evaluated: 2025-08-23. Review status: criteria provided, single submitter. Criteria: ACMG Guidelines, 2015. Collection method: clinical testing. Allele origin: germline.
Comment: The PCSK1 c.605C>A variant is predicted to result in the amino acid substitution p.Pro202His. To our knowledge, this variant has not been reported in the literature or in a large population database, indicating this variant is rare. At this time, the clinical significance of this variant is uncertain due to the absence of conclusive functional and genetic evidence.

NM_000439.5(PCSK1):c.605C>A (p.Pro202His)

Genes: CAST (calpastatin; plus strand), PCSK1 (proprotein convertase subtilisin/kexin type 1; minus strand), LOC101929710 (uncharacterized LOC101929710; plus strand). Cytogenetic location: 5q15.
Variant type: single nucleotide variant.
Coding change: c.605C>A on transcript NM_000439.5 (MANE Select); coding-DNA position 605, C replaced by A.
Protein change: p.Pro202His; replaces proline 202 with histidine.
Molecular consequence: missense variant. On other transcripts: intron variant (11).
Genome position (GRCh38, 1-based): chr5:96,421,895, G>T on the plus strand (C>A on the coding strand, the complement: PCSK1 is on the minus strand). VCF-style: chr5-96421895-G-T. GRCh37 (hg19) VCF-style: chr5-95757599-G-T.
Other names: c.464C>A, p.Pro155His (NM_001177875.2); c.-175+42243G>T (NM_001423254.1, NM_001423259.1, NM_001423255.1 and 6 more transcripts); c.-103+42243G>T (NM_001423253.1); c.-40+42243G>T (NM_001423258.1); short protein forms P155H, P202H.
Identifiers: ClinVar variation 3353970 (VCV003353970.2).